The following is an entry in ClinVar:

NM_002439.5(MSH3):c.317A>G (p.Gln106Arg)

Gene: MSH3 (mutS homolog 3; plus strand). Cytogenetic location: 5q14.1.
Variant type: single nucleotide variant.
Coding change: c.317A>G on transcript NM_002439.5 (MANE Select); coding-DNA position 317, A replaced by G.
Protein change: p.Gln106Arg; replaces glutamine 106 with arginine.
Molecular consequence: missense variant.
Genome position (GRCh38, 1-based): chr5:80,656,490, A>G. VCF-style: chr5-80656490-A-G. GRCh37 (hg19) VCF-style: chr5-79952309-A-G.
Other names: c.317A>G (NM_002439.3); short protein forms Q106R.
Identifiers: ClinVar variation 1392293 (VCV001392293.9), dbSNP rs763423180, ClinGen allele CA3327563.
Genomic context (GRCh38, chr5:80,656,490, plus strand): 5'-GAAAGAAGAGACCATTGGAAAATGATGGGCCTGTTAAAAAGAAAGTAAAGAAAGTCCAAC[A>G]AAAGGAAGGAGGAAGTGATCTGGGAATGTCTGGCAACTCTGGTGAGTTGTGGGGGATTCT-3'
Protein context (NP_002430.3, residues 96-116): PVKKKVKKVQ[Gln106Arg]KEGGSDLGMS

ClinVar aggregate classification (germline): Uncertain significance. Review status: criteria provided, multiple submitters, no conflicts (2 of 4 stars). 2 submissions from 2 submitters: Uncertain significance (2). Last evaluated 2025-12-29.

Conditions:
Hereditary cancer-predisposing syndrome. Also called: Neoplastic Syndromes, Hereditary; Hereditary neoplastic syndrome; Tumor predisposition; Hereditary Cancer Syndrome. Identifiers: Orphanet 140162, MedGen C0027672, MeSH D009386, MONDO:0015356.

Allele frequency attached by ClinVar (database versions not stated): gnomAD exomes below 0.00001 and 0.00001; TOPMed below 0.00001; ExAC 0.00001.
gnomAD v4.1: 8 of 1,614,210 alleles (0.0005%); highest among the groups gnomAD compares: South Asian, 0.0088%; no homozygotes.

Submissions (2):

Labcorp Genetics (formerly Invitae), Labcorp
Classification: Uncertain significance. Last evaluated: 2025-12-29. Review status: criteria provided, single submitter. Criteria: Invitae Variant Classification Sherloc (09022015). Collection method: clinical testing. Allele origin: germline.
Comment: This sequence change replaces glutamine, which is neutral and polar, with arginine, which is basic and polar, at codon 106 of the MSH3 protein (p.Gln106Arg). This variant is present in population databases (rs763423180, gnomAD 0.003%). This variant has not been reported in the literature in individuals affected with MSH3-related conditions. ClinVar contains an entry for this variant (Variation ID: 1392293). An algorithm developed to predict the effect of missense changes on protein structure and function (PolyPhen-2) suggests that this variant is likely to be tolerated. In summary, the available evidence is currently insufficient to determine the role of this variant in disease. Therefore, it has been classified as a Variant of Uncertain Significance.

Ambry Genetics
Classification: Uncertain significance for Hereditary cancer-predisposing syndrome. Last evaluated: 2024-05-05. Review status: criteria provided, single submitter. Criteria: Ambry Variant Classification Scheme 2023. Collection method: clinical testing. Allele origin: germline.
Comment: The p.Q106R variant (also known as c.317A>G), located in coding exon 2 of the MSH3 gene, results from an A to G substitution at nucleotide position 317. The glutamine at codon 106 is replaced by arginine, an amino acid with highly similar properties. This amino acid position is conserved. In addition, this alteration is predicted to be tolerated by in silico analysis. Based on the available evidence, the clinical significance of this variant remains unclear.